The following is an entry in ClinVar:

ClinVar aggregate classification (germline): Uncertain significance. Review status: criteria provided, multiple submitters, no conflicts (2 of 4 stars). 2 submissions from 2 submitters: Uncertain significance (2). Last evaluated 2025-06-21.

Conditions:
Hereditary cancer-predisposing syndrome. Also called: Neoplastic Syndromes, Hereditary; Hereditary neoplastic syndrome; Tumor predisposition; Hereditary Cancer Syndrome. Identifiers: Orphanet 140162, MedGen C0027672, MeSH D009386, MONDO:0015356.
Rhabdoid tumor predisposition syndrome 2 (RTPS2). Identifiers: Orphanet 231108, Orphanet 69077, MedGen C2750074, MONDO:0013224, OMIM 613325.

Submissions (2):

Ambry Genetics
Classification: Uncertain significance for Hereditary cancer-predisposing syndrome. Last evaluated: 2025-06-21. Review status: criteria provided, single submitter. Criteria: Ambry Variant Classification Scheme 2023. Collection method: clinical testing. Allele origin: germline.
Comment: The p.E1327D variant (also known as c.3981G>T), located in coding exon 28 of the SMARCA4 gene, results from a G to T substitution at nucleotide position 3981. The glutamic acid at codon 1327 is replaced by aspartic acid, an amino acid with highly similar properties. This amino acid position is conserved. In addition, this alteration is predicted to be tolerated by in silico analysis. Based on the available evidence, the clinical significance of this variant remains unclear.

Labcorp Genetics (formerly Invitae), Labcorp
Classification: Uncertain significance for Rhabdoid tumor predisposition syndrome 2. Last evaluated: 2023-12-02. Review status: criteria provided, single submitter. Criteria: Invitae Variant Classification Sherloc (09022015). Collection method: clinical testing. Allele origin: germline.
Comment: This sequence change replaces glutamic acid, which is acidic and polar, with aspartic acid, which is acidic and polar, at codon 1327 of the SMARCA4 protein (p.Glu1327Asp). The frequency data for this variant in the population databases is considered unreliable, as metrics indicate poor data quality at this position in the gnomAD database. This variant has not been reported in the literature in individuals affected with SMARCA4-related conditions. ClinVar contains an entry for this variant (Variation ID: 238444). Advanced modeling of protein sequence and biophysical properties (such as structural, functional, and spatial information, amino acid conservation, physicochemical variation, residue mobility, and thermodynamic stability) performed at Invitae indicates that this missense variant is not expected to disrupt SMARCA4 protein function with a negative predictive value of 95%. In summary, the available evidence is currently insufficient to determine the role of this variant in disease. Therefore, it has been classified as a Variant of Uncertain Significance.

NM_003072.5(SMARCA4):c.3981G>T (p.Glu1327Asp)

Gene: SMARCA4 (SWI/SNF related BAF chromatin remodeling complex subunit ATPase 4; plus strand). Cytogenetic location: 19p13.2.
Variant type: single nucleotide variant.
Coding change: c.3981G>T on transcript NM_003072.5 (MANE Select); coding-DNA position 3981, G replaced by T.
Protein change: p.Glu1327Asp; replaces glutamic acid 1327 with aspartic acid.
Molecular consequence: missense variant. On other transcripts: non-coding transcript variant (1).
Genome position (GRCh38, 1-based): chr19:11,034,943, G>T. VCF-style: chr19-11034943-G-T. GRCh37 (hg19) VCF-style: chr19-11145619-G-T.
Other names: c.3981G>T, p.Glu1327Asp (NM_001128844.3, NM_001128849.3, NM_001387283.1); c.3882G>T, p.Glu1294Asp (NM_001128845.2, NM_001128846.2, NM_001128847.4 and 2 more transcripts); short protein forms E1327D, E1294D.
Identifiers: ClinVar variation 238444 (VCV000238444.9), dbSNP rs878854218, ClinGen allele CA10583748.